The following is an entry in ClinVar:

NM_000384.3(APOB):c.11364G>C (p.Glu3788Asp)

Gene: APOB (apolipoprotein B; minus strand). Cytogenetic location: 2p24.1.
Variant type: single nucleotide variant.
Coding change: c.11364G>C on transcript NM_000384.3 (MANE Select); coding-DNA position 11364, G replaced by C.
Protein change: p.Glu3788Asp; replaces glutamic acid 3788 with aspartic acid.
Molecular consequence: missense variant.
Genome position (GRCh38, 1-based): chr2:21,005,504, C>G on the plus strand (G>C on the coding strand, the complement: APOB is on the minus strand). VCF-style: chr2-21005504-C-G. GRCh37 (hg19) VCF-style: chr2-21228376-C-G.
Other names: short protein forms E3788D.
Identifiers: ClinVar variation 3416780 (VCV003416780.2).

ClinVar aggregate classification (germline): Uncertain significance (1 of 4 stars; one submission).

Conditions:
Cardiovascular phenotype. Identifiers: MedGen CN230736.

Submission:

Ambry Genetics
Classification: Uncertain significance for Cardiovascular phenotype. Last evaluated: 2026-09-11. Review status: criteria provided, single submitter. Criteria: Ambry Variant Classification Scheme 2023. Collection method: clinical testing. Allele origin: germline.
Comment: The p.E3788D variant (also known as c.11364G>C), located in coding exon 26 of the APOB gene, results from a G to C substitution at nucleotide position 11364. The glutamic acid at codon 3788 is replaced by aspartic acid, an amino acid with highly similar properties. This amino acid position is conserved. In addition, this alteration is predicted to be tolerated by in silico analysis. Based on the available evidence, the clinical significance of this variant remains unclear.